The following is an entry in ClinVar:

NM_001165963.4(SCN1A):c.4073G>T (p.Trp1358Leu)

Genes: SCN1A (sodium voltage-gated channel alpha subunit 1; minus strand), LOC102724058 (uncharacterized LOC102724058; plus strand). Cytogenetic location: 2q24.3.
Variant type: single nucleotide variant.
Coding change: c.4073G>T on transcript NM_001165963.4 (MANE Select); coding-DNA position 4073, G replaced by T.
Protein change: p.Trp1358Leu; replaces tryptophan 1358 with leucine.
Molecular consequence: missense variant. On other transcripts: non-coding transcript variant (1).
Genome position (GRCh38, 1-based): chr2:166,002,683, C>A on the plus strand (G>T on the coding strand, the complement: SCN1A is on the minus strand). VCF-style: chr2-166002683-C-A. GRCh37 (hg19) VCF-style: chr2-166859193-C-A.
Other names: c.3989G>T, p.Trp1330Leu (NM_001165964.3, NM_001353957.2, NM_001353958.2); c.4073G>T, p.Trp1358Leu (NM_001202435.3, NM_001353948.2); c.4040G>T, p.Trp1347Leu (NM_001353949.2, NM_001353950.2, NM_001353951.2 and 2 more transcripts); c.4037G>T, p.Trp1346Leu (NM_001353954.2, NM_001353955.2); c.3986G>T, p.Trp1329Leu (NM_001353960.2); c.1631G>T, p.Trp544Leu (NM_001353961.2); short protein forms W544L, W1330L, W1346L, W1347L, W1358L, W1329L.
Identifiers: ClinVar variation 1394942 (VCV001394942.7), dbSNP rs121917961, ClinGen allele CA349050607.

ClinVar aggregate classification (germline): Pathogenic (1 of 4 stars; one submission).

Conditions:
Early-infantile DEE. Also called: Early infantile epileptic encephalopathy; Ohtahara syndrome; Early infantile epileptic encephalopathy with suppression bursts. Identifiers: Orphanet 1934, MedGen C0393706, MONDO:0800491.

Submission:

Labcorp Genetics (formerly Invitae), Labcorp
Classification: Pathogenic for Early-infantile DEE. Last evaluated: 2025-10-21. Review status: criteria provided, single submitter. Criteria: Invitae Variant Classification Sherloc (09022015). Collection method: clinical testing. Allele origin: germline.
Comment: This sequence change replaces tryptophan, which is neutral and slightly polar, with leucine, which is neutral and non-polar, at codon 1358 of the SCN1A protein (p.Trp1358Leu). This variant is not present in population databases (gnomAD no frequency). This missense change has been observed in individual(s) with Dravet syndrome (internal data). ClinVar contains an entry for this variant (Variation ID: 1394942). Invitae Evidence Modeling of protein sequence and biophysical properties (such as structural, functional, and spatial information, amino acid conservation, physicochemical variation, residue mobility, and thermodynamic stability) indicates that this missense variant is expected to disrupt SCN1A protein function with a positive predictive value of 95%. This variant disrupts the p.Trp1358 amino acid residue in SCN1A. Other variant(s) that disrupt this residue have been determined to be pathogenic (PMID: 18413471, 21248271). This suggests that this residue is clinically significant, and that variants that disrupt this residue are likely to be disease-causing. For these reasons, this variant has been classified as Pathogenic.

Literature cited by the submitters: PubMed 18413471; PubMed 21248271.